The following is an entry in ClinVar:

NM_001453.3(FOXC1):c.198_212del (p.Tyr67_Pro71del)

Gene: FOXC1 (forkhead box C1; plus strand). Cytogenetic location: 6p25.3.
Variant type: Deletion.
Coding change: c.198_212del on transcript NM_001453.3 (MANE Select); coding-DNA positions 198 to 212, 15 bases deleted (CTACACGCCGCAGCC).
Protein change: p.Tyr67_Pro71del.
Molecular consequence: inframe deletion.
Genome position (GRCh38, 1-based): chr6:1,610,643-1,610,657, CTACACGCCGCAGCC deleted; deleting any 15 consecutive bases within chr6:1,610,640-1,610,657 gives the same sequence; the c. name uses the placement nearest the transcript's 3' end. VCF-style (leftmost placement, unchanged base first): chr6-1610639-GGCCCTACACGCCGCA-G. GRCh37 (hg19) VCF-style: chr6-1610874-GGCCCTACACGCCGCA-G.
Identifiers: ClinVar variation 4685526 (VCV004685526.1).

ClinVar aggregate classification (germline): Likely benign (1 of 4 stars; one submission).

Conditions:
Anterior segment dysgenesis 3 (ASGD3). Also called: Glaucoma iridogoniodysplasia, familial; IRIDOGONIODYSGENESIS ANOMALY, AUTOSOMAL DOMINANT. Identifiers: Orphanet 91483, MedGen C5975707, MONDO:0024456, OMIM 601631.

Submission:

Centre for Medical Genetics,  Mumbai
Classification: Likely benign for Anterior segment dysgenesis 3. Last evaluated: 2025-12-31. Review status: criteria provided, single submitter. Criteria: ACMG Guidelines, 2015. Collection method: provider interpretation. Allele origin: germline. Inheritance: Autosomal dominant inheritance. Affected: no. Observed: 1 heterozygote.
Comment: The variant satisfies PM2 criteria: absent in gnomAD database.

Literature cited by the submitters: PubMed 9620769.